The following is an entry in ClinVar:

ClinVar aggregate classification (germline): Uncertain significance. Review status: criteria provided, multiple submitters, no conflicts (2 of 4 stars). 2 submissions from 2 submitters: Uncertain significance (2). Last evaluated 2025-09-20.

Conditions:
Renal cell carcinoma. Identifiers: Orphanet 217071, MedGen C0007134, MeSH D002292, MONDO:0005086, HP:0005584.

Submissions (2):

Labcorp Genetics (formerly Invitae), Labcorp
Classification: Uncertain significance for Renal cell carcinoma. Last evaluated: 2025-09-20. Review status: criteria provided, single submitter. Criteria: Invitae Variant Classification Sherloc (09022015). Collection method: clinical testing. Allele origin: germline.
Comment: This sequence change replaces serine, which is neutral and polar, with cysteine, which is neutral and slightly polar, at codon 435 of the MET protein (p.Ser435Cys). This variant is not present in population databases (gnomAD no frequency). This variant has not been reported in the literature in individuals affected with MET-related conditions. ClinVar contains an entry for this variant (Variation ID: 863846). Invitae Evidence Modeling of protein sequence and biophysical properties (such as structural, functional, and spatial information, amino acid conservation, physicochemical variation, residue mobility, and thermodynamic stability) has been performed for this missense variant. However, the output from this modeling did not meet the statistical confidence thresholds required to predict the impact of this variant on MET protein function. In summary, the available evidence is currently insufficient to determine the role of this variant in disease. Therefore, it has been classified as a Variant of Uncertain Significance.

GeneDx
Classification: Uncertain significance. Last evaluated: 2025-06-12. Review status: criteria provided, single submitter. Criteria: GeneDx Variant Classification Process June 2021. Collection method: clinical testing. Allele origin: germline. Affected: yes.
Comment: Not observed at significant frequency in large population cohorts (gnomAD); In silico analysis supports that this missense variant has a deleterious effect on protein structure/function; Has not been previously published as pathogenic or benign to our knowledge

NM_000245.4(MET):c.1303A>T (p.Ser435Cys)

Gene: MET (MET proto-oncogene, receptor tyrosine kinase; plus strand). Cytogenetic location: 7q31.2.
Variant type: single nucleotide variant.
Coding change: c.1303A>T on transcript NM_000245.4 (MANE Select); coding-DNA position 1303, A replaced by T.
Protein change: p.Ser435Cys; replaces serine 435 with cysteine.
Molecular consequence: missense variant.
Genome position (GRCh38, 1-based): chr7:116,731,770, A>T. VCF-style: chr7-116731770-A-T. GRCh37 (hg19) VCF-style: chr7-116371824-A-T.
Other names: c.1303A>T, p.Ser435Cys (NM_001127500.3, NM_001324401.3); c.13A>T, p.Ser5Cys (NM_001324402.2); short protein forms S435C, S5C.
Identifiers: ClinVar variation 863846 (VCV000863846.10), dbSNP rs1186230260, ClinGen allele CA368972887.